The following is an entry in ClinVar:

NM_003809.3(TNFSF12):c.*18G>A

Genes: TNFSF12 (TNF superfamily member 12; plus strand), TNFSF12-TNFSF13 (TNFSF12-TNFSF13 readthrough; plus strand). Cytogenetic location: 17p13.1.
Variant type: single nucleotide variant.
Coding change: c.*18G>A on transcript NM_003809.3 (MANE Select); 18 bases downstream of the stop codon, G replaced by A.
Molecular consequence: 3 prime UTR variant. On other transcripts: non-coding transcript variant (1), intron variant (1).
Genome position (GRCh38, 1-based): chr17:7,557,368, G>A. VCF-style: chr17-7557368-G-A. GRCh37 (hg19) VCF-style: chr17-7460685-G-A.
Other names: c.498+466G>A (NM_172089.4).
Identifiers: ClinVar variation 1281800 (VCV001281800.5), dbSNP rs1128963, ClinGen allele CA8350918.
Genomic context (GRCh38, chr17:7,557,368, plus strand): 5'-TGCCCCCTTCCTCACCTACTTCGGACTCTTCCAGGTTCACTGAGGGGCCCTGGTCTCCCC[G>A]CAGTCGTCCCAGGCTGCCGGCTCCCCTCGACAGCTCTCTGGGCACCCGGTCCCCTCTGCC-3'

ClinVar aggregate classification (germline): Benign. Review status: criteria provided, multiple submitters, no conflicts (2 of 4 stars). 4 submissions from 4 submitters: Benign (4). Last evaluated 2026-01-21.

Allele frequency attached by ClinVar (database versions not stated): TOPMed 0.26249; 1000 Genomes Project 30x 0.26608; 1000 Genomes Project 0.27157; ESP Exome Variant Server 0.27549; gnomAD 0.27715 and 0.28563; gnomAD exomes 0.34517 and 0.36062; ExAC 0.35005.
gnomAD v4.1: 552,745 of 1,564,692 alleles (35%); highest among the groups gnomAD compares: Middle Eastern, 48%; 102,485 homozygotes.

Submissions (4):

Women's Health and Genetics/Laboratory Corporation of America, LabCorp
Classification: Benign. Last evaluated: 2026-01-21. Review status: criteria provided, single submitter. Criteria: LabCorp Variant Classification Summary - May 2015. Collection method: clinical testing. Allele origin: germline.

Unidad de Genómica Garrahan, Hospital de Pediatría Garrahan
Classification: Benign. Last evaluated: 2024-01-24. Review status: criteria provided, single submitter. Criteria: ACMG Guidelines, 2015. Collection method: clinical testing. Allele origin: germline. Affected: no. Observed: 47 variant alleles.
Comment: This variant is classified as Benign based on local population frequency. This variant was detected in 49% of patients studied by a panel of primary immunodeficiencies. Number of patients: 47. Only high quality variants are reported.

GeneDx
Classification: Benign. Last evaluated: 2018-02-21. Review status: criteria provided, single submitter. Criteria: GeneDx Variant Classification Process June 2021. Collection method: clinical testing. Allele origin: germline. Affected: yes.

Breakthrough Genomics
Classification: Benign. Review status: criteria provided, single submitter. Criteria: ACMG Guidelines, 2015. Collection method: not provided. Allele origin: germline. Inheritance: Unknown mechanism. Affected: yes.